The following is an entry in ClinVar:

ClinVar aggregate classification (germline): Benign/Likely benign. Review status: criteria provided, multiple submitters, no conflicts (2 of 4 stars). 3 submissions from 3 submitters: Benign (1); Likely benign (2). Last evaluated 2026-04-29.

Conditions:
Colorectal cancer, hereditary nonpolyposis, type 7. Identifiers: Orphanet 144, MedGen C1858380, MONDO:0013725, OMIM 614385.

Allele frequency attached by ClinVar (database versions not stated): ExAC 0.00001; gnomAD exomes 0.00001.
gnomAD v4.1: 4 of 1,614,080 alleles (0.00025%); highest among the groups gnomAD compares: Admixed American, 0.0017%; no homozygotes.

Submissions (3):

Myriad Genetics, Inc.
Classification: Benign for Colorectal cancer, hereditary nonpolyposis, type 7. Last evaluated: 2026-04-29. Review status: criteria provided, single submitter. Criteria: Myriad Autosomal Dominant, Autosomal Recessive and X-Linked Classification Criteria (2023). Collection method: clinical testing. Allele origin: unknown.
Comment: This variant is considered benign. This variant is a silent/synonymous amino acid change and it is not expected to impact splicing.

Labcorp Genetics (formerly Invitae), Labcorp
Classification: Likely benign for Colorectal cancer, hereditary nonpolyposis, type 7. Last evaluated: 2025-04-07. Review status: criteria provided, single submitter. Criteria: Invitae Variant Classification Sherloc (09022015). Collection method: clinical testing. Allele origin: germline.

Ambry Genetics
Classification: Likely benign. Last evaluated: 2021-07-16. Review status: criteria provided, single submitter. Criteria: Ambry Variant Classification Scheme 2023. Collection method: clinical testing. Allele origin: germline.

NM_001040108.2(MLH3):c.807C>T (p.Asp269=)

Gene: MLH3 (mutL homolog 3; minus strand). Cytogenetic location: 14q24.3.
Variant type: single nucleotide variant.
Coding change: c.807C>T on transcript NM_001040108.2 (MANE Select); coding-DNA position 807, C replaced by T.
Protein change: p.Asp269=; no amino-acid change (aspartic acid 269 retained).
Molecular consequence: synonymous variant.
Genome position (GRCh38, 1-based): chr14:75,048,849, G>A on the plus strand (C>T on the coding strand, the complement: MLH3 is on the minus strand). VCF-style: chr14-75048849-G-A. GRCh37 (hg19) VCF-style: chr14-75515552-G-A.
Other names: c.807C>T, p.Asp269= (NM_014381.3).
Identifiers: ClinVar variation 1157136 (VCV001157136.12), dbSNP rs779598518, ClinGen allele CA7275967.
Genomic context (GRCh38, chr14:75,048,849, plus strand): 5'-TTGCCTACTGGTGGGACCATTCTTTGGCTTGCATATAATACTTTCTTTCCTTAATAAAAA[G>A]TCAATGAGTTTATGTAGCTTTGTCCTTAAAACTAGTCTTTTGTTCACAAACAAAAACTGC-3'
Protein context (NP_001035197.1, residues 259-279): VLRTKLHKLI[Asp269=]FLLRKESIIC